The following is an entry in ClinVar:

ClinVar aggregate classification (germline): Uncertain significance (1 of 4 stars; one submission).

Submission:

Labcorp Genetics (formerly Invitae), Labcorp
Classification: Uncertain significance. Last evaluated: 2023-09-06. Review status: criteria provided, single submitter. Criteria: Invitae Variant Classification Sherloc (09022015). Collection method: clinical testing. Allele origin: germline.
Comment: This sequence change replaces alanine, which is neutral and non-polar, with glycine, which is neutral and non-polar, at codon 1745 of the CASZ1 protein (p.Ala1745Gly). In summary, the available evidence is currently insufficient to determine the role of this variant in disease. Therefore, it has been classified as a Variant of Uncertain Significance. Experimental studies and prediction algorithms are not available or were not evaluated, and the functional significance of this variant is currently unknown. This variant has not been reported in the literature in individuals affected with CASZ1-related conditions. The frequency data for this variant in the population databases is considered unreliable, as metrics indicate insufficient coverage at this position in the gnomAD database.

NM_001079843.3(CASZ1):c.5234C>G (p.Ala1745Gly)

Gene: CASZ1 (castor zinc finger 1; minus strand). Cytogenetic location: 1p36.22.
Variant type: single nucleotide variant.
Coding change: c.5234C>G on transcript NM_001079843.3 (MANE Select); coding-DNA position 5234, C replaced by G.
Protein change: p.Ala1745Gly; replaces alanine 1745 with glycine.
Molecular consequence: missense variant.
Genome position (GRCh38, 1-based): chr1:10,638,988, G>C on the plus strand (C>G on the coding strand, the complement: CASZ1 is on the minus strand). VCF-style: chr1-10638988-G-C. GRCh37 (hg19) VCF-style: chr1-10699045-G-C.
Other names: short protein forms A1745G.
Identifiers: ClinVar variation 2755533 (VCV002755533.3), dbSNP rs2521984190, ClinGen allele CA338342691.